The following is an entry in ClinVar:

ClinVar aggregate classification (germline): Uncertain significance (1 of 4 stars; one submission).

Conditions:
RASopathy. Also called: Noonan spectrum disorder; rasopathies. Identifiers: Orphanet 536391, MedGen C5555857, MONDO:0021060.

Submission:

Labcorp Genetics (formerly Invitae), Labcorp
Classification: Uncertain significance for RASopathy. Last evaluated: 2017-12-06. Review status: criteria provided, single submitter. Criteria: Invitae Variant Classification Sherloc (09022015). Collection method: clinical testing. Allele origin: germline.
Comment: In summary, the available evidence is currently insufficient to determine the role of this variant in disease. Therefore, it has been classified as a Variant of Uncertain Significance. The current clinical and genetic evidence is not sufficient to establish whether loss-of-function variants in SOS1 cause disease. This variant has not been reported in the literature in individuals with SOS1-related disease. This variant is not present in population databases (ExAC no frequency). This sequence change creates a premature translational stop signal (p.Leu186Phefs*3) in the SOS1 gene. It is expected to result in an absent or disrupted protein product.

NM_005633.4(SOS1):c.558_562del (p.Leu186fs)

Gene: SOS1 (SOS Ras/Rac guanine nucleotide exchange factor 1; minus strand). Cytogenetic location: 2p22.1.
Variant type: Deletion.
Coding change: c.558_562del on transcript NM_005633.4 (MANE Select); coding-DNA positions 558 to 562, 5 bases deleted (ATCTT; older notation c.558_562delATCTT).
Protein change: p.Leu186fs; shifts the reading frame from leucine 186.
Molecular consequence: frameshift variant.
Genome position (GRCh38, 1-based): chr2:39,054,772-39,054,776, AAGAT deleted on the plus strand (ATCTT on the coding strand, the reverse complement: SOS1 is on the minus strand); deleting any 5 consecutive bases within chr2:39,054,772-39,054,778 gives the same sequence; the c. name uses the placement nearest the transcript's 3' end. VCF-style (leftmost placement, unchanged base first): chr2-39054771-AAAGAT-A. GRCh37 (hg19) VCF-style: chr2-39281912-AAAGAT-A.
Other names: c.558_562delATCTT (NM_005633.3); c.537_541del, p.Leu179fs (NM_001382394.1); c.558_562del, p.Leu186fs (NM_001382395.1); short protein forms L186fs, L179fs.
Identifiers: ClinVar variation 543977 (VCV000543977.6), dbSNP rs1553362269, ClinGen allele CA658795711.